The following is an entry in ClinVar:

ClinVar aggregate classification (germline): Uncertain significance (1 of 4 stars; one submission).

Conditions:
Cardiovascular phenotype. Identifiers: MedGen CN230736.

Submission:

Ambry Genetics
Classification: Uncertain significance for Cardiovascular phenotype. Last evaluated: 2019-12-21. Review status: criteria provided, single submitter. Criteria: Ambry Variant Classification Scheme 2023. Collection method: clinical testing. Allele origin: germline.
Comment: The p.E2217V variant (also known as c.6650A>T), located in coding exon 27 of the TTN gene, results from an A to T substitution at nucleotide position 6650. The glutamic acid at codon 2217 is replaced by valine, an amino acid with dissimilar properties. This amino acid position is highly conserved in available vertebrate species. In addition, the in silico prediction for this alteration is inconclusive. Since supporting evidence is limited at this time, the clinical significance of this alteration remains unclear.

NM_001267550.2(TTN):c.6788A>T (p.Glu2263Val)

Gene: TTN (titin; minus strand). Cytogenetic location: 2q31.2.
Variant type: single nucleotide variant.
Coding change: c.6788A>T on transcript NM_001267550.2 (MANE Select); coding-DNA position 6788, A replaced by T.
Protein change: p.Glu2263Val; replaces glutamic acid 2263 with valine.
Molecular consequence: missense variant.
Genome position (GRCh38, 1-based): chr2:178,774,923, T>A on the plus strand (A>T on the coding strand, the complement: TTN is on the minus strand). VCF-style: chr2-178774923-T-A. GRCh37 (hg19) VCF-style: chr2-179639650-T-A.
Other names: c.6788A>T, p.Glu2263Val (NM_001256850.1, NM_133378.4, NM_133379.5); c.6650A>T, p.Glu2217Val (NM_003319.4, NM_133432.3, NM_133437.4); short protein forms E2263V, E2217V.
Identifiers: ClinVar variation 1754695 (VCV001754695.2), dbSNP rs2532776347, ClinGen allele CA349681980.